The following is an entry in ClinVar:

NM_001370259.2(MEN1):c.478G>C (p.Ala160Pro)

Gene: MEN1 (menin 1; minus strand). Cytogenetic location: 11q13.1.
Variant type: single nucleotide variant.
Coding change: c.478G>C on transcript NM_001370259.2 (MANE Select); coding-DNA position 478, G replaced by C.
Protein change: p.Ala160Pro; replaces alanine 160 with proline.
Molecular consequence: missense variant.
Genome position (GRCh38, 1-based): chr11:64,808,067, C>G on the plus strand (G>C on the coding strand, the complement: MEN1 is on the minus strand). VCF-style: chr11-64808067-C-G. GRCh37 (hg19) VCF-style: chr11-64575539-C-G.
Other names: c.493G>C, p.Ala165Pro (NM_000244.4, NM_130800.3, NM_130801.3 and 3 more transcripts); c.478G>C, p.Ala160Pro (NM_001370251.2, NM_001370260.2, NM_001370261.2 and 3 more transcripts); short protein forms A160P, A165P.
Identifiers: ClinVar variation 579050 (VCV000579050.14), dbSNP rs1565648656, ClinGen allele CA381186185.
Genomic context (GRCh38, chr11:64,808,067, plus strand): 5'-CCTCAGACAGGGCGAGGTGGACATCCCGGAGACCCAGGGCCTGGCAGGCCCCAACCACAG[C>G]AAAGGCCACACCGGAGCTGTCCAATTTGGTGCCTGTGGAAGGGGGAGGTAATGAAAGAGG-3'
Protein context (NP_001357188.2, residues 150-170): TKLDSSGVAF[Ala160Pro]VVGACQALGL

ClinVar aggregate classification (germline): Pathogenic. Review status: criteria provided, multiple submitters, no conflicts (2 of 4 stars). 3 submissions from 3 submitters: Pathogenic (3). Last evaluated 2024-08-10.

Conditions:
Hereditary cancer-predisposing syndrome. Also called: Hereditary neoplastic syndrome; Tumor predisposition; Hereditary Cancer Syndrome; Neoplastic Syndromes, Hereditary. Identifiers: Orphanet 140162, MedGen C0027672, MeSH D009386, MONDO:0015356.
Multiple endocrine neoplasia, type 1 (MEN1). Also called: MEN I; WERMER SYNDROME; Endocrine adenomatosis multiple; MEN 1; MEA I. Identifiers: Orphanet 652, MedGen C0025267, MeSH D018761, MONDO:0007540, OMIM 131100.

Submissions (3):

Labcorp Genetics (formerly Invitae), Labcorp
Classification: Pathogenic for Multiple endocrine neoplasia, type 1. Last evaluated: 2024-08-10. Review status: criteria provided, single submitter. Criteria: Invitae Variant Classification Sherloc (09022015). Collection method: clinical testing. Allele origin: germline.
Comment: This sequence change replaces alanine, which is neutral and non-polar, with proline, which is neutral and non-polar, at codon 160 of the MEN1 protein (p.Ala160Pro). This variant is not present in population databases (gnomAD no frequency). This missense change has been observed in individuals with multiple endocrine neoplasia type 1 (MEN1) (PMID: 9215689, 9463336, 12112656, 17623761). It has also been observed to segregate with disease in related individuals. ClinVar contains an entry for this variant (Variation ID: 579050). Advanced modeling of protein sequence and biophysical properties (such as structural, functional, and spatial information, amino acid conservation, physicochemical variation, residue mobility, and thermodynamic stability) performed at Invitae indicates that this missense variant is expected to disrupt MEN1 protein function with a positive predictive value of 95%. Experimental studies have shown that this missense change affects MEN1 function (PMID: 9989505, 12509449, 21819486, 22090276). For these reasons, this variant has been classified as Pathogenic.

Ambry Genetics
Classification: Pathogenic for Hereditary cancer-predisposing syndrome. Last evaluated: 2020-08-03. Review status: criteria provided, single submitter. Criteria: Ambry Variant Classification Scheme 2023. Collection method: clinical testing. Allele origin: germline.
Comment: The p.A160P variant (also known as c.478G>C), located in coding exon 2 of the MEN1 gene, results from a G to C substitution at nucleotide position 478. The alanine at codon 160 is replaced by proline, an amino acid with highly similar properties. This variant has been reported in numerous families with multiple endocrine neoplasia type 1 (MEN1) (Agarwal SK et al. Hum. Mol. Genet., 1997 Jul;6:1169-75; Tham E et al. J. Clin. Endocrinol. Metab., 2007 Sep;92:3389-95; Wautot V et al. Hum. Mutat., 2002 Jul;20:35-47; Bassett JH et al. Am. J. Hum. Genet., 1998 Feb;62:232-44; Ambry Internal Data). Functional studies have shown that this alteration leads to decrease MEN1 protein stability and abnormal transcriptional regulation of downstream targets as well as impaired homologous recombination-directed DNA repair (Agarwal SK et al. Cell, 1999 Jan;96:143-52; Canaff L et al. J. Clin. Endocrinol. Metab., 2012 Feb;97:E282-91; Fang M et al. Mol. Cell. Biol., 2013 Jul;33:2635-47; Shimazu S et al. Cancer Sci., 2011 Nov;102:2097-102; Sukhodolets KE et al. Mol. Cell. Biol., 2003 Jan;23:493-509). Based on internal structural analysis, this variant is anticipated to result in a significant decrease in structural stability (Ambry internal data; Pollock J et al. J. Med. Chem., 2015 Sep;58:7465-74). This amino acid position is highly conserved in available vertebrate species. In addition, this alteration is predicted to be deleterious by in silico analysis. Based on the supporting evidence, this alteration is interpreted as a disease-causing mutation.

Clinical Genetics and Genomics, Karolinska University Hospital
Classification: Pathogenic. Last evaluated: 2014-06-18. Review status: criteria provided, single submitter. Criteria: ACMG Guidelines, 2015. Collection method: clinical testing. Allele origin: germline. Affected: yes. Observed: 1 variant allele.

Literature cited by the submitters: PubMed 9215689 (cited by Labcorp Genetics (formerly Invitae), Labcorp and Ambry Genetics); PubMed 9463336 (cited by Labcorp Genetics (formerly Invitae), Labcorp and Ambry Genetics); PubMed 12112656 (cited by Labcorp Genetics (formerly Invitae), Labcorp and Ambry Genetics); PubMed 17623761 (cited by Labcorp Genetics (formerly Invitae), Labcorp and Ambry Genetics); PubMed 9989505 (cited by Labcorp Genetics (formerly Invitae), Labcorp and Ambry Genetics); PubMed 12509449 (cited by Labcorp Genetics (formerly Invitae), Labcorp and Ambry Genetics); PubMed 21819486 (cited by Labcorp Genetics (formerly Invitae), Labcorp and Ambry Genetics); PubMed 22090276 (cited by Labcorp Genetics (formerly Invitae), Labcorp and Ambry Genetics); PubMed 23648481 (cited by Ambry Genetics); PubMed 26288158 (cited by Ambry Genetics).